The following is an entry in ClinVar:

NM_001142864.4(PIEZO1):c.2247GGA[6] (p.Glu755_Glu756del)

Genes: HSALR1 (HSP90AB1 associated lncRNA 1; plus strand), PIEZO1 (piezo type mechanosensitive ion channel component 1 (Er blood group); minus strand). Cytogenetic location: 16q24.3.
Variant type: Microsatellite.
Coding change: c.2247GGA[6] on transcript NM_001142864.4 (MANE Select); six copies in a row of the 3-base unit GGA starting at c.2247; the reference has eight copies in a row; two copies, 6 bases deleted; also written c.2265_2270del.
Protein change: p.Glu755_Glu756del.
Molecular consequence: inframe deletion.
Genome position (GRCh38, 1-based): chr16:88,733,965-88,733,970, TCCTCC deleted on the plus strand (GGAGGA on the coding strand, the reverse complement: PIEZO1 is on the minus strand); deleting any 6 consecutive bases within chr16:88,733,965-88,733,989 gives the same sequence; the position shown is the placement nearest the transcript's 3' end. VCF-style (leftmost placement, unchanged base first): chr16-88733964-GTCCTCC-G. GRCh37 (hg19) VCF-style: chr16-88800372-GTCCTCC-G.
Other names: p.Glu755_Glu756del; c.2265_2270del (NM_001142864.4).
Identifiers: ClinVar variation 1330595 (VCV001330595.13), dbSNP rs59446030, ClinGen allele CA8232821.
Genomic context (GRCh38, chr16:88,733,964, plus strand): 5'-ACCTTCAGGCACCTGCGTGGCCTGGTGGGGAGTGGCCACGCCCAGCCCCTCGTCCCTGGA[GTCCTCC>G]TCCTCCTCCTCCTCCTCCTGCTGCTGCTGCTGATGCTCCTGCTGCTCCTCCCGCAGCAGT-3'

ClinVar aggregate classification (germline): Conflicting classifications of pathogenicity. Review status: criteria provided, conflicting classifications (1 of 4 stars). 4 submissions from 4 submitters: Uncertain significance (2); Likely benign (1). 1 of the submissions does not count toward it. Last evaluated 2025-12-18.

Conditions:
PIEZO1-related disorder. Also called: PIEZO1-related condition; PIEZO1-Related Disorders.

Submissions (4):

Labcorp Genetics (formerly Invitae), Labcorp
Classification: Uncertain significance. Last evaluated: 2025-12-18. Review status: criteria provided, single submitter. Criteria: Invitae Variant Classification Sherloc (09022015). Collection method: clinical testing. Allele origin: germline.
Comment: This variant, c.2265_2270del, results in the deletion of 2 amino acid(s) of the PIEZO1 protein (p.Glu755_Glu756del), but otherwise preserves the integrity of the reading frame. The frequency data for this variant in the population databases is considered unreliable, as metrics indicate poor data quality at this position in the gnomAD database. This variant has not been reported in the literature in individuals affected with PIEZO1-related conditions. In summary, the available evidence is currently insufficient to determine the role of this variant in disease. Therefore, it has been classified as a Variant of Uncertain Significance.

ARUP Laboratories, Molecular Genetics and Genomics, ARUP Laboratories
Classification: Likely benign. Last evaluated: 2025-05-07. Review status: criteria provided, single submitter. Criteria: ARUP Molecular Germline Variant Investigation Process 2024. Collection method: clinical testing. Allele origin: germline.

Mayo Clinic Laboratories, Mayo Clinic
Classification: Uncertain significance. Last evaluated: 2023-12-19. Review status: criteria provided, single submitter. Criteria: ACMG Guidelines, 2015. Collection method: clinical testing. Allele origin: germline. Observed: 1 variant allele.
Comment: PM4

PreventionGenetics, part of Exact Sciences
Classification: Benign for PIEZO1-related condition. Last evaluated: 2019-03-04. Review status: no assertion criteria provided. Collection method: clinical testing. Allele origin: germline. Not counted in ClinVar's aggregate classification.
Comment: This variant is classified as benign based on ACMG/AMP sequence variant interpretation guidelines (Richards et al. 2015 PMID: 25741868, with internal and published modifications).

Literature cited by the submitters: PubMed 32848021 (cited by Mayo Clinic Laboratories, Mayo Clinic).